The following is an entry in ClinVar:

NM_000153.4(GALC):c.281del (p.Ser94fs)

Gene: GALC (galactosylceramidase; minus strand). Cytogenetic location: 14q31.3.
Variant type: Deletion.
Coding change: c.281del on transcript NM_000153.4 (MANE Select); coding-DNA position 281, one base deleted (C; older notation c.281delC).
Protein change: p.Ser94fs; shifts the reading frame from serine 94.
Molecular consequence: frameshift variant.
Genome position (GRCh38, 1-based): chr14:87,988,191, G deleted on the plus strand (C on the coding strand, the reverse complement: GALC is on the minus strand). VCF-style (leftmost placement, unchanged base first): chr14-87988190-AG-A. GRCh37 (hg19) VCF-style: chr14-88454534-AG-A.
Other names: c.212del, p.Ser71fs (NM_001201401.2); c.203del, p.Ser68fs (NM_001201402.2); short protein forms S94fs, S71fs, S68fs.
Identifiers: ClinVar variation 1454136 (VCV001454136.6), dbSNP rs2139758786, ClinGen allele CA912979930.

ClinVar aggregate classification (germline): Pathogenic (1 of 4 stars; one submission).

Conditions:
Galactosylceramide beta-galactosidase deficiency. Also called: GALACTOCEREBROSIDASE DEFICIENCY; GALC DEFICIENCY; GLOBOID CELL LEUKOENCEPHALOPATHY; Krabbe Disease; Leukodystrophy, Globoid Cell. Identifiers: Orphanet 487, MedGen C0023521, MONDO:0009499, OMIM 245200.

Allele frequency attached by ClinVar (database versions not stated): gnomAD exomes 0.00001.

Submission:

Labcorp Genetics (formerly Invitae), Labcorp
Classification: Pathogenic for Galactosylceramide beta-galactosidase deficiency. Last evaluated: 2023-12-30. Review status: criteria provided, single submitter. Criteria: Invitae Variant Classification Sherloc (09022015). Collection method: clinical testing. Allele origin: germline.
Comment: This sequence change creates a premature translational stop signal (p.Ser94Phefs*5) in the GALC gene. It is expected to result in an absent or disrupted protein product. Loss-of-function variants in GALC are known to be pathogenic (PMID: 7437911, 9272171, 16607461). This variant is not present in population databases (gnomAD no frequency). This variant has not been reported in the literature in individuals affected with GALC-related conditions. ClinVar contains an entry for this variant (Variation ID: 1454136). Algorithms developed to predict the effect of sequence changes on RNA splicing suggest that this variant may disrupt the consensus splice site. For these reasons, this variant has been classified as Pathogenic.

Literature cited by the submitters: PubMed 7437911; PubMed 9272171; PubMed 16607461.